The following is an entry in ClinVar:

NM_016120.4(RLIM):c.*1380C>T

Gene: RLIM (ring finger protein, LIM domain interacting; minus strand). Cytogenetic location: Xq13.2.
Variant type: single nucleotide variant.
Coding change: c.*1380C>T on transcript NM_016120.4 (MANE Select); 1380 bases downstream of the stop codon, C replaced by T.
Molecular consequence: 3 prime UTR variant.
Genome position (GRCh38, 1-based): chrX:74,590,060, G>A on the plus strand (C>T on the coding strand, the complement: RLIM is on the minus strand). VCF-style: chrX-74590060-G-A. GRCh37 (hg19) VCF-style: chrX-73809895-G-A.
Other names: c.*1380C>T (NM_183353.3).
Identifiers: ClinVar variation 1676447 (VCV001676447.3), dbSNP rs778243260, ClinGen allele CA331288549.

ClinVar aggregate classification (germline): Uncertain significance (1 of 4 stars; one submission).

Submission:

Greenwood Genetic Center Diagnostic Laboratories, Greenwood Genetic Center
Classification: Uncertain significance. Last evaluated: 2022-02-17. Review status: criteria provided, single submitter. Criteria: ACMG Guidelines, 2015. Collection method: clinical testing. Allele origin: germline. Affected: yes.
Comment: PM2